The following is an entry in ClinVar:

NM_003560.4(PLA2G6):c.2132C>G (p.Pro711Arg)

Gene: PLA2G6 (phospholipase A2 group VI; minus strand). Cytogenetic location: 22q13.1.
Variant type: single nucleotide variant.
Coding change: c.2132C>G on transcript NM_003560.4 (MANE Select); coding-DNA position 2132, C replaced by G.
Protein change: p.Pro711Arg; replaces proline 711 with arginine.
Molecular consequence: missense variant.
Genome position (GRCh38, 1-based): chr22:38,113,557, G>C on the plus strand (C>G on the coding strand, the complement: PLA2G6 is on the minus strand). VCF-style: chr22-38113557-G-C. GRCh37 (hg19) VCF-style: chr22-38509564-G-C.
Other names: p.Pro711Arg; c.1970C>G, p.Pro657Arg (NM_001004426.3, NM_001199562.3, NM_001349865.2 and 1 more transcripts); c.2132C>G, p.Pro711Arg (NM_001349864.2); c.1598C>G, p.Pro533Arg (NM_001349867.2); c.1454C>G, p.Pro485Arg (NM_001349868.2); c.1436C>G, p.Pro479Arg (NM_001349869.2); short protein forms P485R, P711R, P479R, P533R, P657R.
Identifiers: ClinVar variation 1381529 (VCV001381529.6), dbSNP rs199784053, ClinGen allele CA10230598.

ClinVar aggregate classification (germline): Uncertain significance. Review status: criteria provided, multiple submitters, no conflicts (2 of 4 stars). 2 submissions from 2 submitters: Uncertain significance (2). Last evaluated 2025-06-04.

Conditions:
Infantile neuroaxonal dystrophy (NBIA2A). Also called: NEURODEGENERATION WITH BRAIN IRON ACCUMULATION 2A; SEITELBERGER DISEASE; Infantile neuroaxonal dystrophy 1. Identifiers: Orphanet 35069, MedGen C0270724, MONDO:0024457, OMIM 256600.

Allele frequency attached by ClinVar (database versions not stated): gnomAD 0.00002 and 0.00001; TOPMed 0.00001; 1000 Genomes Project 0.00020; gnomAD exomes below 0.00001; ExAC 0.00001; 1000 Genomes Project 30x 0.00031.
gnomAD v4.1: 4 of 1,613,992 alleles (0.00025%); highest among the groups gnomAD compares: Admixed American, 0.005%; no homozygotes.

Submissions (2):

Labcorp Genetics (formerly Invitae), Labcorp
Classification: Uncertain significance for Infantile neuroaxonal dystrophy. Last evaluated: 2025-06-04. Review status: criteria provided, single submitter. Criteria: Invitae Variant Classification Sherloc (09022015). Collection method: clinical testing. Allele origin: germline.
Comment: This sequence change replaces proline, which is neutral and non-polar, with arginine, which is basic and polar, at codon 711 of the PLA2G6 protein (p.Pro711Arg). This variant is present in population databases (rs199784053, gnomAD 0.01%). This missense change has been observed in individual(s) with clinical features of PLA2G6-related conditions (internal data). In at least one individual the data is consistent with being in trans (on the opposite chromosome) from a pathogenic variant. ClinVar contains an entry for this variant (Variation ID: 1381529). Invitae Evidence Modeling of protein sequence and biophysical properties (such as structural, functional, and spatial information, amino acid conservation, physicochemical variation, residue mobility, and thermodynamic stability) indicates that this missense variant is expected to disrupt PLA2G6 protein function with a positive predictive value of 80%. In summary, the available evidence is currently insufficient to determine the role of this variant in disease. Therefore, it has been classified as a Variant of Uncertain Significance.

Mayo Clinic Laboratories, Mayo Clinic
Classification: Uncertain significance. Last evaluated: 2023-07-18. Review status: criteria provided, single submitter. Criteria: ACMG Guidelines, 2015. Collection method: clinical testing. Allele origin: germline. Observed: 1 variant allele.
Comment: PP3, PM2_moderate